The following is an entry in ClinVar:

ClinVar aggregate classification (germline): Benign. Review status: criteria provided, multiple submitters, no conflicts (2 of 4 stars). 2 submissions from 2 submitters: Benign (2). Last evaluated 2019-08-22.

Allele frequency attached by ClinVar (database versions not stated): 1000 Genomes Project 0.38538; gnomAD exomes 0.38554 and 0.43018; 1000 Genomes Project 30x 0.39007; ExAC 0.42805; gnomAD 0.43745 and 0.44605; TOPMed 0.44677.
gnomAD v4.1: 668,089 of 1,548,388 alleles (43%); highest among the groups gnomAD compares: Middle Eastern, 62%; 148,783 homozygotes.

Submissions (2):

GeneDx
Classification: Benign. Last evaluated: 2019-08-22. Review status: criteria provided, single submitter. Criteria: GeneDx Variant Classification Process June 2021. Collection method: clinical testing. Allele origin: germline. Affected: yes.
Comment: This variant is associated with the following publications: (PMID: 30215102)

Breakthrough Genomics
Classification: Benign. Review status: criteria provided, single submitter. Criteria: ACMG Guidelines, 2015. Collection method: not provided. Allele origin: germline. Inheritance: Unknown mechanism. Affected: yes.

NC_000020.11:g.1370028T>C

Genes: FKBP1A (FKBP prolyl isomerase 1A; minus strand), FKBP1A-SDCBP2 (FKBP1A-SDCBP2 readthrough (NMD candidate); minus strand), SDCBP2-AS1 (SDCBP2 antisense RNA 1; plus strand). Cytogenetic location: 20p13.
Variant type: single nucleotide variant.
Molecular consequence: 3 prime UTR variant (on NM_000801.5).
Genome position: GRCh38 VCF-style: chr20-1370028-T-C. GRCh37 (hg19) VCF-style: chr20-1350672-T-C.
Other names: c.*81A>G (NM_000801.5); c.*1A>G (NM_001199786.2).
Identifiers: ClinVar variation 1233437 (VCV001233437.5), dbSNP rs6041749, ClinGen allele CA9727549.
Genomic context (GRCh38, chr20:1,370,028, plus strand): 5'-TCAGTCAGGGCAGATGTCTATACAAAGTGGAGTGGAACATCAGGAAAAGCTCCATATGGA[T>C]TCATGTGCACATGTCTGGAGGCACCAGATCCCTCCATGGCAGATCTGTTGGGGACAGAAA-3'